The following is an entry in ClinVar:

NM_133497.4(KCNV2):c.1061G>A (p.Cys354Tyr)

Gene: KCNV2 (potassium voltage-gated channel modifier subfamily V member 2; plus strand). Cytogenetic location: 9p24.2.
Variant type: single nucleotide variant.
Coding change: c.1061G>A on transcript NM_133497.4 (MANE Select); coding-DNA position 1061, G replaced by A.
Protein change: p.Cys354Tyr; replaces cysteine 354 with tyrosine.
Molecular consequence: missense variant.
Genome position (GRCh38, 1-based): chr9:2,718,800, G>A. VCF-style: chr9-2718800-G-A. GRCh37 (hg19) VCF-style: chr9-2718800-G-A.
Other names: short protein forms C354Y.
Identifiers: ClinVar variation 1992851 (VCV001992851.4), dbSNP rs1457653899, ClinGen allele CA372801595.

ClinVar aggregate classification (germline): Uncertain significance (1 of 4 stars; one submission).

gnomAD v4.1: 2 of 1,610,498 alleles (0.00012%); highest among the groups gnomAD compares: East Asian, 0.0022%; no homozygotes.

Submission:

Labcorp Genetics (formerly Invitae), Labcorp
Classification: Uncertain significance. Last evaluated: 2024-01-22. Review status: criteria provided, single submitter. Criteria: Invitae Variant Classification Sherloc (09022015). Collection method: clinical testing. Allele origin: germline.
Comment: This sequence change replaces cysteine, which is neutral and slightly polar, with tyrosine, which is neutral and polar, at codon 354 of the KCNV2 protein (p.Cys354Tyr). This variant is present in population databases (no rsID available, gnomAD 0.006%). This variant has not been reported in the literature in individuals affected with KCNV2-related conditions. ClinVar contains an entry for this variant (Variation ID: 1992851). Advanced modeling of protein sequence and biophysical properties (such as structural, functional, and spatial information, amino acid conservation, physicochemical variation, residue mobility, and thermodynamic stability) performed at Invitae indicates that this missense variant is not expected to disrupt KCNV2 protein function with a negative predictive value of 80%. In summary, the available evidence is currently insufficient to determine the role of this variant in disease. Therefore, it has been classified as a Variant of Uncertain Significance.